The following is an entry in ClinVar:

NM_002907.4(RECQL):c.682G>C (p.Gly228Arg)

Gene: RECQL (RecQ like helicase; minus strand). Cytogenetic location: 12p12.1.
Variant type: single nucleotide variant.
Coding change: c.682G>C on transcript NM_002907.4 (MANE Select); coding-DNA position 682, G replaced by C.
Protein change: p.Gly228Arg; replaces glycine 228 with arginine.
Molecular consequence: missense variant.
Genome position (GRCh38, 1-based): chr12:21,483,394, C>G on the plus strand (G>C on the coding strand, the complement: RECQL is on the minus strand). VCF-style: chr12-21483394-C-G. GRCh37 (hg19) VCF-style: chr12-21636328-C-G.
Other names: c.682G>C, p.Gly228Arg (NM_032941.3); short protein forms G228R.
Identifiers: ClinVar variation 2586009 (VCV002586009.2), dbSNP rs2540374268, ClinGen allele CA384126662.

ClinVar aggregate classification (germline): Uncertain significance (1 of 4 stars; one submission).

Submission:

Ambry Genetics
Classification: Uncertain significance. Last evaluated: 2023-07-26. Review status: criteria provided, single submitter. Criteria: Ambry Variant Classification Scheme 2023. Collection method: clinical testing. Allele origin: germline.
Comment: The p.G228R variant (also known as c.682G>C), located in coding exon 5 of the RECQL gene, results from a G to C substitution at nucleotide position 682. The glycine at codon 228 is replaced by arginine, an amino acid with dissimilar properties. This amino acid position is conserved. In addition, this alteration is predicted to be deleterious by in silico analysis. Since supporting evidence is limited at this time, the clinical significance of this alteration remains unclear.